The following is an entry in ClinVar:

NM_014252.4(SLC25A15):c.755_756insA (p.Phe253fs)

Gene: SLC25A15 (solute carrier family 25 member 15; plus strand). Cytogenetic location: 13q14.11.
Variant type: Insertion.
Coding change: c.755_756insA on transcript NM_014252.4 (MANE Select); coding-DNA positions 755 to 756, A inserted.
Protein change: p.Phe253fs; shifts the reading frame from phenylalanine 253.
Molecular consequence: frameshift variant.
Genome position: GRCh38 VCF-style: chr13-40808570-C-CA. GRCh37 (hg19) VCF-style: chr13-41382706-C-CA.
Other names: short protein forms F253fs.
Identifiers: ClinVar variation 2838501 (VCV002838501.4), dbSNP rs2546922700, ClinGen allele CA2622775766.

ClinVar aggregate classification (germline): Pathogenic/Likely pathogenic. Review status: criteria provided, multiple submitters, no conflicts (2 of 4 stars). 2 submissions from 2 submitters: Pathogenic (1); Likely pathogenic (1). Last evaluated 2023-12-17.

Conditions:
Hyperornithinemia-hyperammonemia-homocitrullinuria syndrome (HHHS). Also called: Ornithine translocase deficiency; HHH SYNDROME. Identifiers: Orphanet 415, MedGen C0268540, MONDO:0009393, OMIM 238970.

Allele frequency attached by ClinVar (database versions not stated): gnomAD exomes below 0.00001.

Submissions (2):

Baylor Genetics
Classification: Likely pathogenic for Hyperornithinemia-hyperammonemia-homocitrullinuria syndrome. Last evaluated: 2023-12-17. Review status: criteria provided, single submitter. Criteria: ACMG Guidelines, 2015. Collection method: clinical testing. Allele origin: unknown.

Labcorp Genetics (formerly Invitae), Labcorp
Classification: Pathogenic for Hyperornithinemia-hyperammonemia-homocitrullinuria syndrome. Last evaluated: 2023-08-29. Review status: criteria provided, single submitter. Criteria: Invitae Variant Classification Sherloc (09022015). Collection method: clinical testing. Allele origin: germline.
Comment: For these reasons, this variant has been classified as Pathogenic. This variant disrupts a region of the SLC25A15 protein in which other variant(s) (p.Thr272Ile) have been determined to be pathogenic (PMID: 19242930, 24473688). This suggests that this is a clinically significant region of the protein, and that variants that disrupt it are likely to be disease-causing. This variant has not been reported in the literature in individuals affected with SLC25A15-related conditions. This variant is not present in population databases (gnomAD no frequency). This sequence change creates a premature translational stop signal (p.Phe253Leufs*8) in the SLC25A15 gene. While this is not anticipated to result in nonsense mediated decay, it is expected to disrupt the last 49 amino acid(s) of the SLC25A15 protein.

Literature cited by the submitters: PubMed 19242930 (cited by Labcorp Genetics (formerly Invitae), Labcorp); PubMed 24473688 (cited by Labcorp Genetics (formerly Invitae), Labcorp).